The following is an entry in ClinVar:

ClinVar aggregate classification (germline): Uncertain significance (1 of 4 stars; one submission).

Conditions:
Familial encephalopathy with neuroserpin inclusion bodies. Also called: ENCEPHALOPATHY, FAMILIAL, WITH COLLINS BODIES. Identifiers: Orphanet 85110, MedGen C1858680, MONDO:0011412, OMIM 604218.

Submission:

Labcorp Genetics (formerly Invitae), Labcorp
Classification: Uncertain significance for Familial encephalopathy with neuroserpin inclusion bodies. Last evaluated: 2024-02-23. Review status: criteria provided, single submitter. Criteria: Invitae Variant Classification Sherloc (09022015). Collection method: clinical testing. Allele origin: germline.
Comment: This sequence change replaces isoleucine, which is neutral and non-polar, with threonine, which is neutral and polar, at codon 46 of the SERPINI1 protein (p.Ile46Thr). This variant is not present in population databases (gnomAD no frequency). This variant has not been reported in the literature in individuals affected with SERPINI1-related conditions. ClinVar contains an entry for this variant (Variation ID: 1388124). Advanced modeling of protein sequence and biophysical properties (such as structural, functional, and spatial information, amino acid conservation, physicochemical variation, residue mobility, and thermodynamic stability) performed at Invitae indicates that this missense variant is not expected to disrupt SERPINI1 protein function with a negative predictive value of 80%. In summary, the available evidence is currently insufficient to determine the role of this variant in disease. Therefore, it has been classified as a Variant of Uncertain Significance.

NM_001122752.2(SERPINI1):c.137T>C (p.Ile46Thr)

Gene: SERPINI1 (serpin family I member 1; plus strand). Cytogenetic location: 3q26.1.
Variant type: single nucleotide variant.
Coding change: c.137T>C on transcript NM_001122752.2 (MANE Select); coding-DNA position 137, T replaced by C.
Protein change: p.Ile46Thr; replaces isoleucine 46 with threonine.
Molecular consequence: missense variant.
Genome position (GRCh38, 1-based): chr3:167,789,265, T>C. VCF-style: chr3-167789265-T-C. GRCh37 (hg19) VCF-style: chr3-167507053-T-C.
Other names: c.137T>C, p.Ile46Thr (NM_005025.5); short protein forms I46T.
Identifiers: ClinVar variation 1388124 (VCV001388124.6), dbSNP rs2108556293, ClinGen allele CA355155617.